The following is an entry in ClinVar:

ClinVar aggregate classification (germline): Likely benign. Review status: criteria provided, single submitter (1 of 4 stars). 2 submissions from 2 submitters: Likely benign (1). 1 of the submissions does not count toward it. Last evaluated 2024-10-11.

Conditions:
ADAMTS13-related disorder. Also called: ADAMTS13-related condition.

Allele frequency attached by ClinVar (database versions not stated): ExAC 0.00001; TOPMed 0.00002; gnomAD 0.00003.
gnomAD v4.1: 31 of 1,613,842 alleles (0.0019%); highest among the groups gnomAD compares: African/African-American, 0.004%; no homozygotes.

Submissions (2):

Blueprint Genetics
Classification: Likely benign. Last evaluated: 2024-10-11. Review status: criteria provided, single submitter. Criteria: ACMG Guidelines, 2015. Collection method: clinical testing. Allele origin: germline.

PreventionGenetics, part of Exact Sciences
Classification: Likely benign for ADAMTS13-related condition. Last evaluated: 2023-09-17. Review status: no assertion criteria provided. Collection method: clinical testing. Allele origin: germline. Not counted in ClinVar's aggregate classification.
Comment: This variant is classified as likely benign based on ACMG/AMP sequence variant interpretation guidelines (Richards et al. 2015 PMID: 25741868, with internal and published modifications).

NM_139027.6(ADAMTS13):c.459C>T (p.Ser153=)

Gene: ADAMTS13 (ADAM metallopeptidase with thrombospondin type 1 motif 13; plus strand). Cytogenetic location: 9q34.2.
Variant type: single nucleotide variant.
Coding change: c.459C>T on transcript NM_139027.6 (MANE Select); coding-DNA position 459, C replaced by T.
Protein change: p.Ser153=; no amino-acid change (serine 153 retained).
Molecular consequence: synonymous variant. On other transcripts: non-coding transcript variant (1).
Genome position (GRCh38, 1-based): chr9:133,425,982, C>T. VCF-style: chr9-133425982-C-T. GRCh37 (hg19) VCF-style: chr9-136291102-C-T.
Other names: c.459C>T, p.Ser153= (NM_139025.5, NM_139026.6).
Identifiers: ClinVar variation 3035990 (VCV003035990.3), dbSNP rs782180043, ClinGen allele CA200921884.
Genomic context (GRCh38, chr9:133,425,982, plus strand): 5'-TGCTGTGGGTCCGCAGGGTGCTCCAAATATCACAGCCAACCTCACCTCGTCCCTGCTGAG[C>T]GTCTGTGGGTGGAGCCAGACCATCAACCCTGAGGACGACACGGATCCTGGCCATGCTGAC-3'
Protein context (NP_620596.2, residues 143-163): ITANLTSSLL[Ser153=]VCGWSQTINP